The following is an entry in ClinVar:

ClinVar aggregate classification (germline): Uncertain significance (1 of 4 stars; one submission).

Conditions:
Ataxia-telangiectasia syndrome (AT). Also called: ATAXIA-TELANGIECTASIA, COMPLEMENTATION GROUP A; Ataxia telangiectasia (A-T); Cerebello-oculocutaneous telangiectasia; Immunodeficiency with ataxia telangiectasia; LOUIS-BAR SYNDROME; ATAXIA-TELANGIECTASIA, FRESNO VARIANT. Identifiers: Orphanet 100, MedGen C0004135, MONDO:0008840, OMIM 208900.

Allele frequency attached by ClinVar (database versions not stated): ExAC 0.00001.

Submission:

Labcorp Genetics (formerly Invitae), Labcorp
Classification: Uncertain significance for Ataxia-telangiectasia syndrome. Last evaluated: 2023-01-02. Review status: criteria provided, single submitter. Criteria: Invitae Variant Classification Sherloc (09022015). Collection method: clinical testing. Allele origin: germline.
Comment: This sequence change replaces proline, which is neutral and non-polar, with leucine, which is neutral and non-polar, at codon 1778 of the ATM protein (p.Pro1778Leu). This variant is present in population databases (rs756892492, gnomAD 0.007%). In summary, the available evidence is currently insufficient to determine the role of this variant in disease. Therefore, it has been classified as a Variant of Uncertain Significance. Algorithms developed to predict the effect of missense changes on protein structure and function are either unavailable or do not agree on the potential impact of this missense change (SIFT: "Deleterious"; PolyPhen-2: "Benign"; Align-GVGD: "Class C0"). This variant has not been reported in the literature in individuals affected with ATM-related conditions.

NM_000051.4(ATM):c.5333C>T (p.Pro1778Leu)

Gene: ATM (ATM serine/threonine kinase; plus strand). Cytogenetic location: 11q22.3.
Variant type: single nucleotide variant.
Coding change: c.5333C>T on transcript NM_000051.4 (MANE Select); coding-DNA position 5333, C replaced by T.
Protein change: p.Pro1778Leu; replaces proline 1778 with leucine.
Molecular consequence: missense variant.
Genome position (GRCh38, 1-based): chr11:108,302,866, C>T. VCF-style: chr11-108302866-C-T. GRCh37 (hg19) VCF-style: chr11-108173593-C-T.
Other names: c.5333C>T, p.Pro1778Leu (NM_001351834.2); short protein forms P1778L.
Identifiers: ClinVar variation 2826005 (VCV002826005.3), dbSNP rs756892492, ClinGen allele CA6265691.